The following is an entry in ClinVar:

ClinVar aggregate classification (germline): Uncertain significance (1 of 4 stars; one submission).

Conditions:
Microcephaly, normal intelligence and immunodeficiency (NBS). Also called: Ataxia telangiectasia variant V1; SEEMANOVA SYNDROME II; Immunodeficiency, microcephaly with normal intelligence; Nijmegen breakage syndrome; Microcephaly with normal intelligence immunodeficiency and lymphoreticular malignancies; Nonsyndromal microcephaly autosomal recessive with normal intelligence. Identifiers: Orphanet 647, MedGen C0398791, MONDO:0009623, OMIM 251260.

Submission:

Labcorp Genetics (formerly Invitae), Labcorp
Classification: Uncertain significance for Microcephaly, normal intelligence and immunodeficiency. Last evaluated: 2019-10-24. Review status: criteria provided, single submitter. Criteria: Invitae Variant Classification Sherloc (09022015). Collection method: clinical testing. Allele origin: germline.
Comment: This variant results in a copy number gain of the genomic region encompassing the full coding sequence of the NBN gene. The boundaries of this event are unknown as they extend beyond the assayed region for this gene and therefore may encompass additional genes. As the precise location of this event is unknown, it may be in tandem or it may be located elsewhere in the genome. This variant has not been reported in the literature in individuals with NBN-related conditions. In summary, the available evidence is currently insufficient to determine the role of this variant in disease. Therefore, it has been classified as a Variant of Uncertain Significance.

NC_000008.10:g.(?_90947800)_(90996799_?)dup

Genes: NBN (nibrin; minus strand), LOC126860438 (MED14-independent group 3 enhancer GRCh37_chr8:90959982-90961181; plus strand), LOC130000714 (ATAC-STARR-seq lymphoblastoid active region 27608; plus strand). Cytogenetic location: 8q21.3.
Variant type: Duplication.
Identifiers: ClinVar variation 583845 (VCV000583845.5).